The following is an entry in ClinVar:

ClinVar aggregate classification (germline): Likely pathogenic (1 of 4 stars; one submission).

Submission:

Labcorp Genetics (formerly Invitae), Labcorp
Classification: Likely pathogenic. Last evaluated: 2025-06-21. Review status: criteria provided, single submitter. Criteria: Invitae Variant Classification Sherloc (09022015). Collection method: clinical testing. Allele origin: germline.
Comment: This variant results in the deletion of part of exon 20 (c.2903_2910+174del) of the SORL1 gene. It is expected to disrupt RNA splicing. Variants that disrupt the donor or acceptor splice site typically lead to a loss of protein function (PMID: 16199547), and loss-of-function variants in SORL1 are known to be pathogenic (PMID: 26303663, 27026413). This variant is not present in population databases (gnomAD no frequency). This variant has not been reported in the literature in individuals affected with SORL1-related conditions. In summary, the currently available evidence indicates that the variant is pathogenic, but additional data are needed to prove that conclusively. Therefore, this variant has been classified as Likely Pathogenic.

Literature cited by the submitters: PubMed 16199547; PubMed 26303663; PubMed 27026413.

NM_003105.6(SORL1):c.2903_2910+174del

Gene: SORL1 (sortilin related receptor 1; plus strand). Cytogenetic location: 11q24.1.
Variant type: Deletion.
Coding change: c.2903_2910+174del on transcript NM_003105.6 (MANE Select); coding-DNA position 2903 through 174 bases into the intron after coding-DNA position 2910, 182 bases deleted.
Molecular consequence: splice donor variant.
Genome position (GRCh38, 1-based): chr11:121,558,830-121,559,011, 182 bases deleted. GRCh37 (hg19): chr11:121,429,539-121,429,720.
Identifiers: ClinVar variation 4713652 (VCV004713652.1).